The following is an entry in ClinVar:

ClinVar aggregate classification (germline): Uncertain significance. Review status: criteria provided, multiple submitters, no conflicts (2 of 4 stars). 3 submissions from 3 submitters: Uncertain significance (2). 1 of the submissions does not count toward it. Last evaluated 2025-02-14.

Conditions:
GAA-related disorder. Also called: GAA-related condition.
Glycogen storage disease, type II (IOPD). Also called: Glycogen storage disease type 2; Acid maltase deficiency disease; Aglucosidase alfa; Deficiency of alpha-glucosidase; Deficiency of lysosomal alpha-glucosidase; Pompe Disease. Identifiers: Orphanet 365, MedGen C0017921, MONDO:0009290, OMIM 232300.

gnomAD v4.1: 9 of 1,612,642 alleles (0.00056%); highest among the groups gnomAD compares: African/African-American, 0.0013%; no homozygotes.

Submissions (3):

PreventionGenetics, part of Exact Sciences
Classification: Uncertain significance for GAA-related condition. Last evaluated: 2025-02-14. Review status: criteria provided, single submitter. Criteria: ACMG Guidelines, 2015. Collection method: clinical testing. Allele origin: germline.
Comment: The GAA c.32G>T variant is predicted to result in the amino acid substitution p.Arg11Leu. To our knowledge, this variant has not been reported in the literature. This variant is reported in 0.0062% of alleles in individuals of African descent in gnomAD. At this time, the clinical significance of this variant is uncertain due to the absence of conclusive functional and genetic evidence.

Labcorp Genetics (formerly Invitae), Labcorp
Classification: Uncertain significance for Glycogen storage disease, type II. Last evaluated: 2022-06-09. Review status: criteria provided, single submitter. Criteria: Invitae Variant Classification Sherloc (09022015). Collection method: clinical testing. Allele origin: germline.
Comment: This sequence change replaces arginine, which is basic and polar, with leucine, which is neutral and non-polar, at codon 11 of the GAA protein (p.Arg11Leu). The frequency data for this variant in the population databases is considered unreliable, as metrics indicate poor data quality at this position in the gnomAD database. This variant has not been reported in the literature in individuals affected with GAA-related conditions. ClinVar contains an entry for this variant (Variation ID: 1058137). Advanced modeling of protein sequence and biophysical properties (such as structural, functional, and spatial information, amino acid conservation, physicochemical variation, residue mobility, and thermodynamic stability) performed at Invitae indicates that this missense variant is not expected to disrupt GAA protein function. In summary, the available evidence is currently insufficient to determine the role of this variant in disease. Therefore, it has been classified as a Variant of Uncertain Significance.

Natera, Inc.
Classification: Uncertain significance for Glycogen storage disease type II. Last evaluated: 2021-10-01. Review status: no assertion criteria provided. Collection method: clinical testing. Allele origin: germline. Not counted in ClinVar's aggregate classification.

NM_000152.5(GAA):c.32G>T (p.Arg11Leu)

Gene: GAA (alpha glucosidase; plus strand). Cytogenetic location: 17q25.3.
Variant type: single nucleotide variant.
Coding change: c.32G>T on transcript NM_000152.5 (MANE Select); coding-DNA position 32, G replaced by T.
Protein change: p.Arg11Leu; replaces arginine 11 with leucine.
Molecular consequence: missense variant.
Genome position (GRCh38, 1-based): chr17:80,104,618, G>T. VCF-style: chr17-80104618-G-T. GRCh37 (hg19) VCF-style: chr17-78078417-G-T.
Other names: c.32G>T, p.Arg11Leu (NM_001079803.3, NM_001079804.3); c.32G>T (NM_000152.4); short protein forms R11L.
Identifiers: ClinVar variation 1058137 (VCV001058137.11), dbSNP rs138812846, ClinGen allele CA8814761.